The following is an entry in ClinVar:

ClinVar aggregate classification (germline): Uncertain significance (1 of 4 stars; one submission).

Conditions:
Hereditary cancer-predisposing syndrome. Also called: Neoplastic Syndromes, Hereditary; Tumor predisposition; Hereditary Cancer Syndrome; Hereditary neoplastic syndrome. Identifiers: Orphanet 140162, MedGen C0027672, MeSH D009386, MONDO:0015356.

Submission:

Ambry Genetics
Classification: Uncertain significance for Hereditary cancer-predisposing syndrome. Last evaluated: 2025-12-22. Review status: criteria provided, single submitter. Criteria: Ambry Variant Classification Scheme 2023. Collection method: clinical testing. Allele origin: germline.
Comment: The p.P712T variant (also known as c.2134C>A), located in coding exon 14 of the PDGFRA gene, results from a C to A substitution at nucleotide position 2134. The proline at codon 712 is replaced by threonine, an amino acid with highly similar properties. This amino acid position is conserved. In addition, the in silico prediction for this alteration is inconclusive. Based on the available evidence, the clinical significance of this variant remains unclear.

NM_006206.6(PDGFRA):c.2134C>A (p.Pro712Thr)

Gene: PDGFRA (platelet derived growth factor receptor alpha; plus strand). Cytogenetic location: 4q12.
Variant type: single nucleotide variant.
Coding change: c.2134C>A on transcript NM_006206.6 (MANE Select); coding-DNA position 2134, C replaced by A.
Protein change: p.Pro712Thr; replaces proline 712 with threonine.
Molecular consequence: missense variant.
Genome position (GRCh38, 1-based): chr4:54,278,493, C>A. VCF-style: chr4-54278493-C-A. GRCh37 (hg19) VCF-style: chr4-55144660-C-A.
Other names: c.2134C>A, p.Pro712Thr (NM_001347827.2, NM_001347829.2); c.2209C>A, p.Pro737Thr (NM_001347828.2); c.2173C>A, p.Pro725Thr (NM_001347830.2); short protein forms P712T, P725T, P737T.
Identifiers: ClinVar variation 4843859 (VCV004843859.1).